The following is an entry in ClinVar:

ClinVar aggregate classification (germline): Uncertain significance. Review status: criteria provided, multiple submitters, no conflicts (2 of 4 stars). 3 submissions from 3 submitters: Uncertain significance (3). Last evaluated 2022-04-26.

Conditions:
Inborn genetic diseases. Identifiers: MedGen C0950123, MeSH D030342.

Allele frequency attached by ClinVar (database versions not stated): ExAC 0.00003; gnomAD exomes 0.00005 and 0.00011; 1000 Genomes Project 0.00020; gnomAD 0.00023 and 0.00024; 1000 Genomes Project 30x 0.00031; TOPMed 0.00032.
gnomAD v4.1: 121 of 1,613,946 alleles (0.0075%); highest among the groups gnomAD compares: Admixed American, 0.072%; no homozygotes.

Submissions (3):

Labcorp Genetics (formerly Invitae), Labcorp
Classification: Uncertain significance. Last evaluated: 2022-04-26. Review status: criteria provided, single submitter. Criteria: Invitae Variant Classification Sherloc (09022015). Collection method: clinical testing. Allele origin: germline.
Comment: This sequence change replaces glutamic acid, which is acidic and polar, with lysine, which is basic and polar, at codon 892 of the MYO18B protein (p.Glu892Lys). This variant is present in population databases (rs549687310, gnomAD 0.05%). This variant has not been reported in the literature in individuals affected with MYO18B-related conditions. Algorithms developed to predict the effect of missense changes on protein structure and function output the following: SIFT: "Not Available"; PolyPhen-2: "Benign"; Align-GVGD: "Not Available". The lysine amino acid residue is found in multiple mammalian species, which suggests that this missense change does not adversely affect protein function. In summary, the available evidence is currently insufficient to determine the role of this variant in disease. Therefore, it has been classified as a Variant of Uncertain Significance.

Ambry Genetics
Classification: Uncertain significance for Inborn genetic diseases. Last evaluated: 2021-06-22. Review status: criteria provided, single submitter. Criteria: Ambry Variant Classification Scheme 2023. Collection method: clinical testing. Allele origin: germline.

Breakthrough Genomics
Classification: Uncertain significance. Review status: criteria provided, single submitter. Criteria: ACMG Guidelines, 2015. Collection method: not provided. Allele origin: germline. Inheritance: Autosomal dominant inheritance. Affected: yes.

NM_032608.7(MYO18B):c.2674G>A (p.Glu892Lys)

Gene: MYO18B (myosin XVIIIB; plus strand). Cytogenetic location: 22q12.1.
Variant type: single nucleotide variant.
Coding change: c.2674G>A on transcript NM_032608.7 (MANE Select); coding-DNA position 2674, G replaced by A.
Protein change: p.Glu892Lys; replaces glutamic acid 892 with lysine.
Molecular consequence: missense variant.
Genome position (GRCh38, 1-based): chr22:25,823,657, G>A. VCF-style: chr22-25823657-G-A. GRCh37 (hg19) VCF-style: chr22-26219624-G-A.
Other names: c.2674G>A, p.Glu892Lys (NM_001318245.2); c.2674G>A (NM_032608.5); short protein forms E892K.
Identifiers: ClinVar variation 1444488 (VCV001444488.5), dbSNP rs549687310, ClinGen allele CA10160260.
Genomic context (GRCh38, chr22:25,823,657, plus strand): 5'-AAGCACCACCTTCGACAGATCATCCAGCAAATGACGTTTGGGCCAAGCCGATGGGGCCTC[G>A]AGGATGAGGAAACCAGCTCAGGTACATGGCTGCTGCCTCTTTGGGTGAGCTGGGCCCCCC-3'
Protein context (NP_115997.5, residues 882-902): MTFGPSRWGL[Glu892Lys]DEETSSGLKM